The following is an entry in ClinVar:

ClinVar aggregate classification (germline): Pathogenic (1 of 4 stars; one submission).

Conditions:
Atypical hemolytic-uremic syndrome. Identifiers: Orphanet 2134, MedGen C2931788, MONDO:0016244.

Submission:

Genomenon, Inc
Classification: Pathogenic for Atypical hemolytic-uremic syndrome. Last evaluated: 2025-10-02. Review status: criteria provided, single submitter. Criteria: Genomenon Sequence Variant Interpretation Standards - Updated. Collection method: curation. Allele origin: germline. Affected: yes.
Comment: CFH p.Lys584Ter (c.1750A>T) is a nonsense variant that introduces a premature stop codon at amino acid position 584, creating a truncated protein that is predicted to undergo nonsense-mediated mRNA decay. This variant has been observed in at least one proband affected with atypical hemolytic-uremic syndrome (PMID:30890598;20203157). It is absent or not present at a significant frequency in gnomAD. In conclusion, we classify CFH p.Lys584Ter (c.1750A>T) as a pathogenic variant.

Literature cited by the submitters: PubMed 30890598; PubMed 20203157.

NM_000186.4(CFH):c.1750A>T (p.Lys584Ter)

Gene: CFH (complement factor H; plus strand). Cytogenetic location: 1q31.3.
Variant type: single nucleotide variant.
Coding change: c.1750A>T on transcript NM_000186.4 (MANE Select); coding-DNA position 1750, A replaced by T.
Protein change: p.Lys584Ter; replaces lysine 584 with a stop codon.
Molecular consequence: nonsense.
Genome position (GRCh38, 1-based): chr1:196,725,174, A>T. VCF-style: chr1-196725174-A-T. GRCh37 (hg19) VCF-style: chr1-196694304-A-T.
Other names: short protein forms K584*.
Identifiers: ClinVar variation 4291418 (VCV004291418.1).